The following is an entry in ClinVar:

ClinVar aggregate classification (germline): Conflicting classifications of pathogenicity. Review status: criteria provided, conflicting classifications (1 of 4 stars). 4 submissions from 4 submitters: Uncertain significance (1); Benign (2). 1 of the submissions does not count toward it. Last evaluated 2026-01-28.

Conditions:
Hereditary breast ovarian cancer syndrome. Also called: Hereditary breast and ovarian cancer syndrome (HBOC); BRCA1- and BRCA2-Associated Hereditary Breast and Ovarian Cancer; Hereditary breast and ovarian cancer syndrome; Breast and ovarian cancer; Hereditary breast and/or ovarian cancer syndrome; Hereditary breast and ovarian cancer. Identifiers: Orphanet 145, MedGen C0677776, MeSH D061325, MONDO:0003582. Disease mechanism: loss of function.
Hereditary cancer-predisposing syndrome. Also called: Neoplastic Syndromes, Hereditary; Hereditary Cancer Syndrome; Hereditary neoplastic syndrome; Tumor predisposition. Identifiers: Orphanet 140162, MedGen C0027672, MeSH D009386, MONDO:0015356.
Neurofibromatosis, type 1 (NF1). Also called: Neurofibromatosis, type I; Peripheral type neurofibromatosis; VON RECKLINGHAUSEN DISEASE; NEUROFIBROMATOSIS, TYPE I, SOMATIC. Identifiers: Orphanet 636, MedGen C0027831, MONDO:0018975, OMIM 162200. Disease mechanism: loss of function.
NF1-related disorder. Also called: NF1-related condition. Identifiers: MedGen CN379171.

Submissions (4):

Labcorp Genetics (formerly Invitae), Labcorp
Classification: Benign for Neurofibromatosis, type 1. Last evaluated: 2026-01-28. Review status: criteria provided, single submitter. Criteria: Invitae Variant Classification Sherloc (09022015). Collection method: clinical testing. Allele origin: germline.

Sema4
Classification: Benign for Hereditary cancer-predisposing syndrome. Last evaluated: 2021-08-04. Review status: criteria provided, single submitter. Criteria: Sema4 Curation Guidelines. Collection method: curation. Allele origin: germline.

Cancer Genomics Group, Japanese Foundation For Cancer Research
Classification: Uncertain significance for Hereditary breast and ovarian cancer syndrome. Last evaluated: 2019-05-01. Review status: criteria provided, single submitter. Criteria: ACMG Guidelines, 2015. Collection method: research. Allele origin: germline. Affected: yes.

PreventionGenetics, part of Exact Sciences
Classification: Likely benign for NF1-related condition. Last evaluated: 2024-02-28. Review status: no assertion criteria provided. Collection method: clinical testing. Allele origin: germline. Not counted in ClinVar's aggregate classification.
Comment: This variant is classified as likely benign based on ACMG/AMP sequence variant interpretation guidelines (Richards et al. 2015 PMID: 25741868, with internal and published modifications).

NM_001042492.3(NF1):c.1721+19_1721+21del

Gene: NF1 (neurofibromin 1; plus strand). Cytogenetic location: 17q11.2.
Variant type: Deletion.
Coding change: c.1721+19_1721+21del on transcript NM_001042492.3 (MANE Select); bases 19 to 21 of the intron after coding-DNA position 1721, 3 bases deleted (TTT; older notation c.1721+19_1721+21delTTT).
Molecular consequence: intron variant. On other transcripts: inframe deletion (1).
Genome position (GRCh38, 1-based): chr17:31,221,948-31,221,950, TTT deleted; deleting any 3 consecutive bases within chr17:31,221,945-31,221,950 gives the same sequence; the c. name uses the placement nearest the transcript's 3' end. VCF-style (leftmost placement, unchanged base first): chr17-31221944-ATTT-A. GRCh37 (hg19) VCF-style: chr17-29548962-ATTT-A.
Other names: c.1721+16_1721+18delTTT (NM_000267.3); c.1740_1742del, p.Phe580del (NM_001128147.3); c.1721+19_1721+21del (NM_000267.4); short protein forms F580del.
Identifiers: ClinVar variation 830269 (VCV000830269.13), dbSNP rs762735676, ClinGen allele CA8485828.